The following is an entry in ClinVar:

ClinVar aggregate classification (germline): Uncertain significance (1 of 4 stars; one submission).

Conditions:
Familial melanoma. Also called: Hereditary melanoma; Hereditary cutaneous melanoma. Identifiers: Orphanet 618, MedGen C1512419, MONDO:0018961.

Submission:

Labcorp Genetics (formerly Invitae), Labcorp
Classification: Uncertain significance for Familial melanoma. Last evaluated: 2020-03-18. Review status: criteria provided, single submitter. Criteria: Invitae Variant Classification Sherloc (09022015). Collection method: clinical testing. Allele origin: germline.
Comment: In summary, the available evidence is currently insufficient to determine the role of this variant in disease. Therefore, it has been classified as a Variant of Uncertain Significance. This sequence change replaces leucine with arginine at codon 131 of the CDK4 protein (p.Leu131Arg). The leucine residue is highly conserved and there is a moderate physicochemical difference between leucine and arginine. Algorithms developed to predict the effect of missense changes on protein structure and function are either unavailable or do not agree on the potential impact of this missense change (SIFT: "Deleterious"; PolyPhen-2: "Probably Damaging"; Align-GVGD: "Class C0"). This variant has not been reported in the literature in individuals with CDK4-related conditions. This variant is not present in population databases (ExAC no frequency).

NM_000075.4(CDK4):c.392T>G (p.Leu131Arg)

Gene: CDK4 (cyclin dependent kinase 4; minus strand). Cytogenetic location: 12q14.1.
Variant type: single nucleotide variant.
Coding change: c.392T>G on transcript NM_000075.4 (MANE Select); coding-DNA position 392, T replaced by G.
Protein change: p.Leu131Arg; replaces leucine 131 with arginine.
Molecular consequence: missense variant.
Genome position (GRCh38, 1-based): chr12:57,751,053, A>C on the plus strand (T>G on the coding strand, the complement: CDK4 is on the minus strand). VCF-style: chr12-57751053-A-C. GRCh37 (hg19) VCF-style: chr12-58144836-A-C.
Other names: short protein forms L131R.
Identifiers: ClinVar variation 1020131 (VCV001020131.8), dbSNP rs1955230904, ClinGen allele CA385546893.